The following is an entry in ClinVar:

NM_007294.4(BRCA1):c.182G>A (p.Cys61Tyr)

Gene: BRCA1 (BRCA1 DNA repair associated; minus strand). Cytogenetic location: 17q21.31.
Variant type: single nucleotide variant.
Coding change: c.182G>A on transcript NM_007294.4 (MANE Select); coding-DNA position 182, G replaced by A.
Protein change: p.Cys61Tyr; replaces cysteine 61 with tyrosine.
Molecular consequence: missense variant. On other transcripts: non-coding transcript variant (1).
Genome position (GRCh38, 1-based): chr17:43,106,486, C>T on the plus strand (G>A on the coding strand, the complement: BRCA1 is on the minus strand). VCF-style: chr17-43106486-C-T. GRCh37 (hg19) VCF-style: chr17-41258503-C-T.
Other names: 301G>A; c.-7G>A (NM_001407571.1, NM_001407853.1, NM_001407879.1 and 58 more transcripts); c.182G>A, p.Cys61Tyr (NM_001407581.1, NM_001407582.1, NM_001407583.1 and 168 more transcripts); c.41G>A, p.Cys14Tyr (NM_001407692.1, NM_001407694.1, NM_001407695.1 and 99 more transcripts); short protein forms C61Y, C14Y.
Identifiers: ClinVar variation 54364 (VCV000054364.27), dbSNP rs80357093, ClinGen allele CA001191.

ClinVar aggregate classification (germline): Pathogenic. Review status: criteria provided, multiple submitters, no conflicts (2 of 4 stars). 11 submissions from 11 submitters: Pathogenic (7). 4 of the submissions do not count toward it. Last evaluated 2026-05-19.

Conditions:
Hereditary cancer-predisposing syndrome. Also called: Tumor predisposition; Neoplastic Syndromes, Hereditary; Hereditary Cancer Syndrome; Hereditary neoplastic syndrome. Identifiers: Orphanet 140162, MedGen C0027672, MeSH D009386, MONDO:0015356.
Hereditary breast ovarian cancer syndrome. Also called: Hereditary breast and ovarian cancer syndrome (HBOC); Hereditary breast and ovarian cancer syndrome; Hereditary breast and ovarian cancer; Hereditary breast and/or ovarian cancer syndrome; Breast and ovarian cancer; BRCA1- and BRCA2-Associated Hereditary Breast and Ovarian Cancer. Identifiers: Orphanet 145, MedGen C0677776, MeSH D061325, MONDO:0003582. Disease mechanism: loss of function.
Breast-ovarian cancer, familial, susceptibility to, 1 (BROVCA1). Also called: OVARIAN CANCER, SUSCEPTIBILITY TO; BRCA1 Hereditary Breast and Ovarian Cancer. Identifiers: Orphanet 145, MedGen C2676676, MONDO:0011450, OMIM 604370. Disease mechanism: loss of function.

Allele frequency attached by ClinVar (database versions not stated): gnomAD exomes below 0.00001.
gnomAD v4.1: 2 of 1,604,772 alleles (0.00012%); highest among the groups gnomAD compares: South Asian, 0.0011%; no homozygotes.

Submissions 1 to 10 of 12:

Women's Health and Genetics/Laboratory Corporation of America, LabCorp
Classification: Pathogenic for Hereditary breast ovarian cancer syndrome. Last evaluated: 2026-05-19. Review status: criteria provided, single submitter. Criteria: LabCorp Variant Classification Summary - May 2015. Collection method: clinical testing. Allele origin: germline.
Comment: Variant summary: BRCA1 c.182G>A (p.Cys61Tyr) results in a non-conservative amino acid change located in the Zinc finger, RING-type domain (IPR001841) of the encoded protein sequence. Algorithms developed to predict the effect of missense changes on protein structure and function are either unavailable or do not agree on the potential impact of this missense change. The variant was absent in 250754 control chromosomes. c.182G>A has been observed in multiple individuals affected with Hereditary Breast And Ovarian Cancer Syndrome (e.g. Rebbeck_2018). These data indicate that the variant is very likely to be associated with disease. A different variant affecting the same codon has been classified as likely pathogenic/pathogenic by our lab (c.181T>G, p.Cys61Gly), supporting the critical relevance of codon 61 to BRCA1 protein function. At least one functional study reports experimental evidence evaluating an impact on protein function and showed no damaging effect of this variant on homology directed repair (HDR) activity (e.g. Findlay_2018). The following publications have been ascertained in the context of this evaluation (PMID: 29446198, 30209399). ClinVar contains an entry for this variant (Variation ID: 54364). Based on the evidence outlined above, the variant was classified as pathogenic.

Ambry Genetics
Classification: Pathogenic for Hereditary cancer-predisposing syndrome. Last evaluated: 2025-08-14. Review status: criteria provided, single submitter. Criteria: Ambry Variant Classification Scheme 2023. Collection method: clinical testing. Allele origin: germline.
Comment: The p.C61Y pathogenic mutation (also known as c.182G>A), located in coding exon 3 of the BRCA1 gene, results from a G to A substitution at nucleotide position 182. The cysteine at codon 61 is replaced by tyrosine, an amino acid with highly dissimilar properties. This variant has been identified in multiple individuals diagnosed with breast cancer (Churpek JE et al. Breast Cancer Res. Treat. 2015 Jan;149:31-9; Pal T et al. Cancer. 2015 Dec;121(23):4173-80; Yang XR et al. Breast Cancer Res. Treat. 2017 Oct;165:687-697). This variant was also identified in a large, worldwide study of BRCA1/2 mutation positive families (Rebbeck TR et al. Hum. Mutat. 2018 05;39:593-620). In one high throughput functional study, this variant was shown to impair both BARD1 binding activity and E3 Ubiquitin ligase function of the protein (Starita LM et al. Genetics. 2015 Jun;200:413-22). Another functional study found that this nucleotide substitution is non-functional in a high throughput genome editing haploid cell survival assay (Findlay GM et al. Nature. 2018 10;562:217-222). Based on internal structural assessment, this alteration disrupts one of the Zn-binding sites of the BRCA1 RING domain (Ambry internal data; Brzovic PS et al. Nat. Struct. Biol., 2001 Oct;8:833-7). This amino acid position is highly conserved in available vertebrate species. In addition, this alteration is predicted to be deleterious by in silico analysis. This variant is considered to be rare based on population cohorts in the Genome Aggregation Database (gnomAD). Based on the supporting evidence, this variant is interpreted as a disease-causing mutation.

Labcorp Genetics (formerly Invitae), Labcorp
Classification: Pathogenic for Hereditary breast ovarian cancer syndrome. Last evaluated: 2024-12-22. Review status: criteria provided, single submitter. Criteria: Invitae Variant Classification Sherloc (09022015). Collection method: clinical testing. Allele origin: germline.
Comment: This sequence change replaces cysteine, which is neutral and slightly polar, with tyrosine, which is neutral and polar, at codon 61 of the BRCA1 protein (p.Cys61Tyr). This variant is not present in population databases (gnomAD no frequency). This missense change has been observed in individual(s) with breast cancer (PMID: 18159056, 22752604, 25428789, 26287763, 28664506). ClinVar contains an entry for this variant (Variation ID: 54364). Invitae Evidence Modeling incorporating data from in vitro experimental studies (PMID: 30209399) indicates that this missense variant is expected to disrupt BRCA1 function with a positive predictive value of 95%. Experimental studies have shown that this missense change affects BRCA1 function (PMID: 22843421, 25823446, 30209399). Algorithms developed to predict the effect of sequence changes on RNA splicing suggest that this variant may disrupt the consensus splice site. This variant disrupts the p.Cys61 amino acid residue in BRCA1. Other variant(s) that disrupt this residue have been determined to be pathogenic (PMID: 7894493, 9525870, 11278247, 19594371, 19770520, 22172724). This suggests that this residue is clinically significant, and that variants that disrupt this residue are likely to be disease-causing. For these reasons, this variant has been classified as Pathogenic.

GeneDx
Classification: Pathogenic. Last evaluated: 2022-08-12. Review status: criteria provided, single submitter. Criteria: GeneDx Variant Classification Process June 2021. Collection method: clinical testing. Allele origin: germline. Affected: yes.
Comment: Not observed in large population cohorts (gnomAD); Published functional studies demonstrate a damaging effect: impaired BARD1 binding and E3-auto-ubiquitination activity, and classified as non-functional based on a saturation genome editing (SGE) assay measuring cell survival (Starita et al., 2015; Findlay et al., 2018); In silico analysis supports that this missense variant has a deleterious effect on protein structure/function; Also known as 301G>A; This variant is associated with the following publications: (PMID: 15235020, 20215423, 28664506, 26287763, 23867111, 23161852, 18159056, 22752604, 29446198, 25428789, 32741062, 33087888, 8944023, 24389207, 20104584, 30209399, 25823446)

Color Diagnostics, LLC DBA Color Health
Classification: Pathogenic for Hereditary cancer-predisposing syndrome. Last evaluated: 2021-05-07. Review status: criteria provided, single submitter. Criteria: ACMG Guidelines, 2015. Collection method: clinical testing. Allele origin: germline.
Comment: This missense variant replaces cysteine with tyrosine at codon 61 of the BRCA1 protein. The impacted reference cysteine is one of the eight conserved cysteine/histidine for the zinc finger motif in the RING domain (PMID: 11526114). Computational prediction suggests that this variant may have deleterious impact on protein structure and function (internally defined REVEL score threshold >= 0.7, PMID: 27666373). Functional studies have reported that this variant impacts BRCA1 function in ubiquitin E3 ligase, BARD1 binding and haploid human cell proliferation assays (PMID: 25823446, 30209399). This variant has been reported in at least seven individuals affected with breast cancer (PMID: 18159056, 22752604, 25428789, 26287763, 28664506). This variant has not been identified in the general population by the Genome Aggregation Database (gnomAD). Based on the available evidence, this variant is classified as Pathogenic.

Baylor Genetics
Classification: Pathogenic for Breast-ovarian cancer, familial, susceptibility to, 1. Last evaluated: 2021-03-19. Review status: criteria provided, single submitter. Criteria: ACMG Guidelines, 2015. Collection method: clinical testing. Allele origin: unknown.

Consortium of Investigators of Modifiers of BRCA1/2 (CIMBA), c/o University of Cambridge
Classification: Pathogenic for Breast-ovarian cancer, familial, susceptibility to, 1. Last evaluated: 2015-10-02. Review status: criteria provided, single submitter. Criteria: CIMBA Mutation Classification guidelines May 2016. Collection method: clinical testing. Allele origin: germline.

Research Molecular Genetics Laboratory, Women's College Hospital, University of Toronto
Classification: Pathogenic for Hereditary breast ovarian cancer syndrome. Last evaluated: 2015-12-17. Review status: no assertion criteria provided. Collection method: research. Allele origin: germline. Affected: yes. Study: The Canadian Open Genetics Repository (COGR). Not counted in ClinVar's aggregate classification.

Sharing Clinical Reports Project (SCRP)
Classification: Pathogenic for Breast-ovarian cancer, familial 1. Last evaluated: 2011-05-06. Review status: no assertion criteria provided. Collection method: clinical testing. Allele origin: germline. Not counted in ClinVar's aggregate classification.

Breast Cancer Information Core (BIC) (BRCA1)
Classification: Uncertain significance for Breast-ovarian cancer, familial 1. Last evaluated: 2002-05-29. Review status: no assertion criteria provided. Collection method: clinical testing. Allele origin: germline. Affected: yes. Observed: 6 variant alleles. Not counted in ClinVar's aggregate classification.